The following is an entry in ClinVar:

ClinVar aggregate classification (germline): Uncertain significance (1 of 4 stars; one submission).

Allele frequency attached by ClinVar (database versions not stated): ExAC 0.00002; TOPMed 0.00002; gnomAD 0.00003.
gnomAD v4.1: 8 of 1,612,800 alleles (0.0005%); highest among the groups gnomAD compares: African/African-American, 0.0094%; no homozygotes.

Submission:

Labcorp Genetics (formerly Invitae), Labcorp
Classification: Uncertain significance. Last evaluated: 2024-11-19. Review status: criteria provided, single submitter. Criteria: Invitae Variant Classification Sherloc (09022015). Collection method: clinical testing. Allele origin: germline.
Comment: This sequence change replaces aspartic acid, which is acidic and polar, with asparagine, which is neutral and polar, at codon 1813 of the HMCN1 protein (p.Asp1813Asn). This variant is present in population databases (rs761768202, gnomAD 0.02%). This variant has not been reported in the literature in individuals affected with HMCN1-related conditions. ClinVar contains an entry for this variant (Variation ID: 1908654). An algorithm developed to predict the effect of missense changes on protein structure and function (PolyPhen-2) suggests that this variant is likely to be disruptive. In summary, the available evidence is currently insufficient to determine the role of this variant in disease. Therefore, it has been classified as a Variant of Uncertain Significance.

NM_031935.3(HMCN1):c.5437G>A (p.Asp1813Asn)

Gene: HMCN1 (hemicentin 1; plus strand). Cytogenetic location: 1q31.1.
Variant type: single nucleotide variant.
Coding change: c.5437G>A on transcript NM_031935.3 (MANE Select); coding-DNA position 5437, G replaced by A.
Protein change: p.Asp1813Asn; replaces aspartic acid 1813 with asparagine.
Molecular consequence: missense variant.
Genome position (GRCh38, 1-based): chr1:186,018,319, G>A. VCF-style: chr1-186018319-G-A. GRCh37 (hg19) VCF-style: chr1-185987451-G-A.
Other names: short protein forms D1813N.
Identifiers: ClinVar variation 1908654 (VCV001908654.5), dbSNP rs761768202, ClinGen allele CA1292260.